The following is an entry in ClinVar:

NM_001113378.2(FANCI):c.3568A>G (p.Ile1190Val)

Gene: FANCI (FA complementation group I; plus strand). Cytogenetic location: 15q26.1.
Variant type: single nucleotide variant.
Coding change: c.3568A>G on transcript NM_001113378.2 (MANE Select); coding-DNA position 3568, A replaced by G.
Protein change: p.Ile1190Val; replaces isoleucine 1190 with valine.
Molecular consequence: missense variant.
Genome position (GRCh38, 1-based): chr15:89,307,506, A>G. VCF-style: chr15-89307506-A-G. GRCh37 (hg19) VCF-style: chr15-89850737-A-G.
Other names: c.3289A>G, p.Ile1097Val (NM_001376910.1); c.3568A>G, p.Ile1190Val (NM_001376911.1); c.3388A>G, p.Ile1130Val (NM_018193.3); short protein forms I1097V, I1130V, I1190V.
Identifiers: ClinVar variation 1347546 (VCV001347546.8), dbSNP rs2151940603, ClinGen allele CA393740816.

ClinVar aggregate classification (germline): Uncertain significance (1 of 4 stars; one submission).

Conditions:
Fanconi anemia (FA). Also called: Fanconi's anemia. Identifiers: Orphanet 84, MedGen C0015625, MeSH D005199, MONDO:0019391.

Submission:

Labcorp Genetics (formerly Invitae), Labcorp
Classification: Uncertain significance for Fanconi anemia. Last evaluated: 2021-03-03. Review status: criteria provided, single submitter. Criteria: Invitae Variant Classification Sherloc (09022015). Collection method: clinical testing. Allele origin: germline.
Comment: This variant is not present in population databases (ExAC no frequency). In summary, the available evidence is currently insufficient to determine the role of this variant in disease. Therefore, it has been classified as a Variant of Uncertain Significance. Algorithms developed to predict the effect of missense changes on protein structure and function (SIFT, PolyPhen-2, Align-GVGD) all suggest that this variant is likely to be tolerated, but these predictions have not been confirmed by published functional studies and their clinical significance is uncertain. This variant has not been reported in the literature in individuals with FANCI-related conditions. This sequence change replaces isoleucine with valine at codon 1190 of the FANCI protein (p.Ile1190Val). The isoleucine residue is moderately conserved and there is a small physicochemical difference between isoleucine and valine.